The following is an entry in ClinVar:

ClinVar aggregate classification (germline): Conflicting classifications of pathogenicity. Review status: criteria provided, conflicting classifications (1 of 4 stars). 2 submissions from 2 submitters: Pathogenic (1); Uncertain significance (1). Last evaluated 2025-10-26.

Conditions:
Pick disease. Also called: PICK DISEASE OF BRAIN; Pick Disease of the Brain; DEMENTIA WITH LOBAR ATROPHY AND NEURONAL CYTOPLASMIC INCLUSIONS; LOBAR ATROPHY OF BRAIN; Pick's disease. Identifiers: Orphanet 282, MedGen C0236642, MONDO:0008243, OMIM 172700.
Acne inversa, familial, 3 (ACNINV3). Identifiers: MedGen C3151038, MONDO:0013398, OMIM 613737.
Alzheimer disease 3 (AD3). Also called: ALZHEIMER DISEASE, FAMILIAL, 3. Identifiers: Orphanet 1020, MedGen C1843013, MONDO:0011913, OMIM 607822.
Frontotemporal dementia (FTD1). Also called: Frontotemporal lobe dementia (FLDEM); FRONTOTEMPORAL LOBAR DEGENERATION WITH TAU INCLUSIONS; FTLD WITH TAU INCLUSIONS; Frontotemporal Dementia with Parkinsonism-17 (FTDP-17); FRONTOTEMPORAL DEMENTIA WITH PARKINSONISM; FRONTOTEMPORAL LOBE DEMENTIA. Identifiers: Orphanet 282, MedGen C0338451, MONDO:0017276, OMIM 600274, HP:0002145.

Submissions (2):

Labcorp Genetics (formerly Invitae), Labcorp
Classification: Pathogenic for Alzheimer disease 3; Pick disease; Acne inversa, familial, 3; Frontotemporal dementia. Last evaluated: 2025-10-26. Review status: criteria provided, single submitter. Criteria: Invitae Variant Classification Sherloc (09022015). Collection method: clinical testing. Allele origin: germline.
Comment: This sequence change replaces alanine, which is neutral and non-polar, with threonine, which is neutral and polar, at codon 434 of the PSEN1 protein (p.Ala434Thr). This variant is not present in population databases (gnomAD no frequency). This missense change has been observed in individuals with clinical features of PSEN1-related conditions (PMID: 24650794, 27777022, 31322578). ClinVar contains an entry for this variant (Variation ID: 3759253). Invitae Evidence Modeling of protein sequence and biophysical properties (such as structural, functional, and spatial information, amino acid conservation, physicochemical variation, residue mobility, and thermodynamic stability) indicates that this missense variant is expected to disrupt PSEN1 protein function with a positive predictive value of 95%. Experimental studies have shown that this missense change affects PSEN1 function (PMID: 31235249). This variant disrupts the p.Ala434 amino acid residue in PSEN1. Other variant(s) that disrupt this residue have been observed in individuals with PSEN1-related conditions (PMID: 11030797, 24650794, 31322578, 37313494), which suggests that this may be a clinically significant amino acid residue. For these reasons, this variant has been classified as Pathogenic.

Women's Health and Genetics/Laboratory Corporation of America, LabCorp
Classification: Uncertain significance. Last evaluated: 2025-03-05. Review status: criteria provided, single submitter. Criteria: LabCorp Variant Classification Summary - May 2015. Collection method: clinical testing. Allele origin: germline.
Comment: Variant summary: PSEN1 c.1300G>A (p.Ala434Thr) results in a non-conservative amino acid change in the encoded protein sequence. Five of five in-silico tools predict a damaging effect of the variant on protein function. The variant was absent in 251460 control chromosomes. c.1300G>A has been reported in the literature in individuals affected with early onset Alzheimer Disease, including a proband and her affected mother, and at least two other presumably sporadic cases, one of whom had a second variant of uncertain significance in PSEN1 (e.g. Jiao_2014, Ryan_2015, Jo_2019). These data indicate that the variant may be associated with disease. At least one publication reports experimental evidence evaluating an impact on protein function and found that, like the WT protein, the variant bound to the other gamma-secretase components, however, when transfected into PSEN1-null cells, it did not result in Abeta40 secretion and generated a higher level of Abeta42/43 secretion than the WT protein (Nakaya_2005). These results suggest that this variant impacts normal PSEN1 function, but does not allow definitive conclusions about the variant effect. The following publications have been ascertained in the context of this evaluation (PMID: 33440141, 24650794, 31322578, 15764596, 26410308, 32267026). No submitters have cited clinical-significance assessments for this variant to ClinVar. Based on the evidence outlined above, the variant was classified as VUS-possibly pathogenic.

Literature cited by the submitters: PubMed 24650794 (cited by Labcorp Genetics (formerly Invitae), Labcorp and Women's Health and Genetics/Laboratory Corporation of America, LabCorp); PubMed 27777022 (cited by Labcorp Genetics (formerly Invitae), Labcorp); PubMed 31322578 (cited by Labcorp Genetics (formerly Invitae), Labcorp and Women's Health and Genetics/Laboratory Corporation of America, LabCorp); PubMed 31235249 (cited by Labcorp Genetics (formerly Invitae), Labcorp); PubMed 11030797 (cited by Labcorp Genetics (formerly Invitae), Labcorp); PubMed 37313494 (cited by Labcorp Genetics (formerly Invitae), Labcorp); PubMed 33440141 (cited by Women's Health and Genetics/Laboratory Corporation of America, LabCorp); PubMed 26410308 (cited by Women's Health and Genetics/Laboratory Corporation of America, LabCorp); PubMed 15764596 (cited by Women's Health and Genetics/Laboratory Corporation of America, LabCorp); PubMed 32267026 (cited by Women's Health and Genetics/Laboratory Corporation of America, LabCorp).

NM_000021.4(PSEN1):c.1300G>A (p.Ala434Thr)

Gene: PSEN1 (presenilin 1; plus strand). Cytogenetic location: 14q24.2.
Variant type: single nucleotide variant.
Coding change: c.1300G>A on transcript NM_000021.4 (MANE Select); coding-DNA position 1300, G replaced by A.
Protein change: p.Ala434Thr; replaces alanine 434 with threonine.
Molecular consequence: missense variant.
Genome position (GRCh38, 1-based): chr14:73,219,185, G>A. VCF-style: chr14-73219185-G-A. GRCh37 (hg19) VCF-style: chr14-73685893-G-A.
Other names: c.1288G>A, p.Ala430Thr (NM_007318.3); short protein forms A430T, A434T.
Identifiers: ClinVar variation 3759253 (VCV003759253.3).
Genomic context (GRCh38, chr14:73,219,185, plus strand): 5'-TCTCCACAGGGTTTGTGCCTTACATTATTACTCCTTGCCATTTTCAAGAAAGCATTGCCA[G>A]CTCTTCCAATCTCCATCACCTTTGGGCTTGTTTTCTACTTTGCCACAGATTATCTTGTAC-3'
Protein context (NP_000012.1, residues 424-444): LLAIFKKALP[Ala434Thr]LPISITFGLV